The following is an entry in ClinVar:

NM_001018115.3(FANCD2):c.3716T>A (p.Met1239Lys)

Genes: FANCD2 (FA complementation group D2; plus strand), FANCD2OS (FANCD2 opposite strand; minus strand). Cytogenetic location: 3p25.3.
Variant type: single nucleotide variant.
Coding change: c.3716T>A on transcript NM_001018115.3 (MANE Select); coding-DNA position 3716, T replaced by A.
Protein change: p.Met1239Lys; replaces methionine 1239 with lysine.
Molecular consequence: missense variant. On other transcripts: intron variant (1).
Genome position (GRCh38, 1-based): chr3:10,090,324, T>A. VCF-style: chr3-10090324-T-A. GRCh37 (hg19) VCF-style: chr3-10132008-T-A.
Other names: c.3716T>A, p.Met1239Lys (NM_001319984.2, NM_001374254.1, NM_033084.6); c.3605T>A, p.Met1202Lys (NM_001374253.1); c.*44-8793A>T (NM_173472.2); short protein forms M1202K, M1239K.
Identifiers: ClinVar variation 952688 (VCV000952688.10), dbSNP rs1694512844, ClinGen allele CA351755265.

ClinVar aggregate classification (germline): Uncertain significance (1 of 4 stars; one submission).

Conditions:
Fanconi anemia (FA). Also called: Fanconi's anemia. Identifiers: Orphanet 84, MedGen C0015625, MeSH D005199, MONDO:0019391.

Submission:

Labcorp Genetics (formerly Invitae), Labcorp
Classification: Uncertain significance for Fanconi anemia. Last evaluated: 2019-06-18. Review status: criteria provided, single submitter. Criteria: Invitae Variant Classification Sherloc (09022015). Collection method: clinical testing. Allele origin: germline.
Comment: In summary, the available evidence is currently insufficient to determine the role of this variant in disease. Therefore, it has been classified as a Variant of Uncertain Significance. Algorithms developed to predict the effect of sequence changes on RNA splicing suggest that this variant may create or strengthen a splice site, but this prediction has not been confirmed by published transcriptional studies. Algorithms developed to predict the effect of missense changes on protein structure and function are either unavailable or do not agree on the potential impact of this missense change (SIFT: "Tolerated"; PolyPhen-2: "Possibly Damaging"; Align-GVGD: "Class C0"). This variant has not been reported in the literature in individuals with FANCD2-related conditions. This variant is not present in population databases (ExAC no frequency). This sequence change replaces methionine with lysine at codon 1239 of the FANCD2 protein (p.Met1239Lys). The methionine residue is highly conserved and there is a moderate physicochemical difference between methionine and lysine.